The following is an entry in ClinVar:

NM_138420.4(AHNAK2):c.5365G>A (p.Val1789Met)

Gene: AHNAK2 (AHNAK nucleoprotein 2; minus strand). Cytogenetic location: 14q32.33.
Variant type: single nucleotide variant.
Coding change: c.5365G>A on transcript NM_138420.4 (MANE Select); coding-DNA position 5365, G replaced by A.
Protein change: p.Val1789Met; replaces valine 1789 with methionine.
Molecular consequence: missense variant.
Genome position (GRCh38, 1-based): chr14:104,950,086, C>T on the plus strand (G>A on the coding strand, the complement: AHNAK2 is on the minus strand). VCF-style: chr14-104950086-C-T. GRCh37 (hg19) VCF-style: chr14-105416423-C-T.
Other names: c.5065G>A, p.Val1689Met (NM_001350929.2); c.5365G>A (NM_138420.2); short protein forms V1689M, V1789M.
Identifiers: ClinVar variation 2644799 (VCV002644799.25), dbSNP rs201374182, ClinGen allele CA7381817.

ClinVar aggregate classification (germline): Conflicting classifications of pathogenicity. Review status: criteria provided, conflicting classifications (1 of 4 stars). 2 submissions from 2 submitters: Uncertain significance (1); Likely benign (1). Last evaluated 2025-08-05.

Allele frequency attached by ClinVar (database versions not stated): gnomAD 0.00079; ExAC 0.00086; 1000 Genomes Project 30x 0.00109; 1000 Genomes Project 0.00200.
gnomAD v4.1: 971 of 1,585,324 alleles (0.061%); highest among the groups gnomAD compares: Middle Eastern, 0.95%; 103 homozygotes.

Submissions (2):

Ambry Genetics
Classification: Uncertain significance. Last evaluated: 2025-08-05. Review status: criteria provided, single submitter. Criteria: Ambry Variant Classification Scheme 2023. Collection method: clinical testing. Allele origin: germline.

CeGaT Center for Human Genetics Tuebingen
Classification: Likely benign. Last evaluated: 2022-12-01. Review status: criteria provided, single submitter. Criteria: CeGaT Center For Human Genetics Tuebingen Variant Classification Criteria Version 2. Collection method: clinical testing. Allele origin: germline. Affected: yes. Observed: 1 variant allele.
Comment: AHNAK2: BP4, BS2